The following is an entry in ClinVar:

ClinVar aggregate classification (germline): Uncertain significance (1 of 4 stars; one submission).

Conditions:
Inborn genetic diseases. Identifiers: MedGen C0950123, MeSH D030342.

gnomAD v4.1: 1 of 1,614,148 alleles (0.000062%); highest among the groups gnomAD compares: Non-Finnish European, 0.000085%; no homozygotes.

Submission:

Ambry Genetics
Classification: Uncertain significance for Inborn genetic diseases. Last evaluated: 2026-09-01. Review status: criteria provided, single submitter. Criteria: Ambry Variant Classification Scheme 2023. Collection method: clinical testing. Allele origin: germline.
Comment: The c.659T>C (p.V220A) alteration is located in exon 4 (coding exon 4) of the GFAP gene. This alteration results from a T to C substitution at nucleotide position 659, causing the valine (V) at amino acid position 220 to be replaced by an alanine (A). Based on data from gnomAD, the C allele has an overall frequency of <0.001% (1/251370) total alleles studied. The highest observed frequency was 0.001% (1/113676) of European (non-Finnish) alleles. Based on insufficient or conflicting evidence, the clinical significance of this alteration remains unclear.

NM_002055.5(GFAP):c.659T>C (p.Val220Ala)

Gene: GFAP (glial fibrillary acidic protein; minus strand). Cytogenetic location: 17q21.31.
Variant type: single nucleotide variant.
Coding change: c.659T>C on transcript NM_002055.5 (MANE Select); coding-DNA position 659, T replaced by C.
Protein change: p.Val220Ala; replaces valine 220 with alanine.
Molecular consequence: missense variant.
Genome position (GRCh38, 1-based): chr17:44,913,390, A>G on the plus strand (T>C on the coding strand, the complement: GFAP is on the minus strand). VCF-style: chr17-44913390-A-G. GRCh37 (hg19) VCF-style: chr17-42990758-A-G.
Other names: c.659T>C, p.Val220Ala (NM_001131019.3, NM_001242376.3, NM_001363846.2); short protein forms V220A.
Identifiers: ClinVar variation 5022362 (VCV005022362.1).
Genomic context (GRCh38, chr17:44,913,390, plus strand): 5'-GTGCGGATCTCTTTCAGGGCTGCGGTGAGGTCTGGCTTGGCCACGTCAAGCTCCACATGG[A>G]CCTGCTGTCGGGCCAGCTGCTCCTGGAGTTCCCGAACCTCCTGACCAGGGTGAGAGAAGC-3'
Protein context (NP_002046.1, residues 210-230): ELQEQLARQQ[Val220Ala]HVELDVAKPD